The following is an entry in ClinVar:

ClinVar aggregate classification (germline): Likely benign (1 of 4 stars; one submission).

gnomAD v4.1: 114 of 1,531,048 alleles (0.0074%); highest among the groups gnomAD compares: Non-Finnish European, 0.0092%; no homozygotes.

Submission:

Center for Genomic Medicine, Rigshospitalet, Copenhagen University Hospital
Classification: Likely benign. Last evaluated: 2025-12-29. Review status: criteria provided, single submitter. Criteria: ACMG Guidelines, 2015. Collection method: clinical testing. Allele origin: germline.
Comment: Classification criteria: BP4, BP7

NM_000051.4(ATM):c.2377-34T>C

Gene: ATM (ATM serine/threonine kinase; plus strand). Cytogenetic location: 11q22.3.
Variant type: single nucleotide variant.
Coding change: c.2377-34T>C on transcript NM_000051.4 (MANE Select); 34 bases into the intron before coding-DNA position 2377, T replaced by C.
Molecular consequence: intron variant.
Genome position (GRCh38, 1-based): chr11:108,258,952, T>C. VCF-style: chr11-108258952-T-C. GRCh37 (hg19) VCF-style: chr11-108129679-T-C.
Other names: c.2377-34T>C (NM_001351834.2).
Identifiers: ClinVar variation 4539294 (VCV004539294.1).
Genomic context (GRCh38, chr11:108,258,952, plus strand): 5'-TCTACATTCCATTCAAGATAGAGAAAACACTGTCTGCCAAGAATAATTGTTTTTATTTCT[T>C]TGTTGCTTGGTTCTTTGTTTGTCTTAATTGCAGAAGAGTCCAAATAAGATTGCATCTGGC-3'